The following is an entry in ClinVar:

NM_001848.3(COL6A1):c.2710G>A (p.Val904Ile)

Gene: COL6A1 (collagen type VI alpha 1 chain; plus strand). Cytogenetic location: 21q22.3.
Variant type: single nucleotide variant.
Coding change: c.2710G>A on transcript NM_001848.3 (MANE Select); coding-DNA position 2710, G replaced by A.
Protein change: p.Val904Ile; replaces valine 904 with isoleucine.
Molecular consequence: missense variant.
Genome position (GRCh38, 1-based): chr21:46,003,636, G>A. VCF-style: chr21-46003636-G-A. GRCh37 (hg19) VCF-style: chr21-47423550-G-A.
Other names: short protein forms V904I.
Identifiers: ClinVar variation 1218435 (VCV001218435.13), dbSNP rs375831680, ClinGen allele CA10071008.

ClinVar aggregate classification (germline): Conflicting classifications of pathogenicity. Review status: criteria provided, conflicting classifications (1 of 4 stars). 4 submissions from 4 submitters: Uncertain significance (3); Likely benign (1). Last evaluated 2025-04-08.

Conditions:
Inborn genetic diseases. Identifiers: MedGen C0950123, MeSH D030342.
Bethlem myopathy 1A. Also called: MYOPATHY, BENIGN CONGENITAL, WITH CONTRACTURES; Bethlem Muscular Dystrophy; Bethlem myopathy 1. Identifiers: Orphanet 610, MedGen CN029274, MONDO:0024530, OMIM 158810.

Allele frequency attached by ClinVar (database versions not stated): ExAC 0.00001; gnomAD 0.00001; gnomAD exomes 0.00001 and 0.00004; TOPMed 0.00002; ESP Exome Variant Server 0.00008; 1000 Genomes Project 30x 0.00016.
gnomAD v4.1: 68 of 1,613,042 alleles (0.0042%); highest among the groups gnomAD compares: Non-Finnish European, 0.0049%; no homozygotes.

Submissions (4):

Labcorp Genetics (formerly Invitae), Labcorp
Classification: Likely benign for Bethlem myopathy 1A. Last evaluated: 2025-04-08. Review status: criteria provided, single submitter. Criteria: Invitae Variant Classification Sherloc (09022015). Collection method: clinical testing. Allele origin: germline.

Ambry Genetics
Classification: Uncertain significance for Inborn genetic diseases. Last evaluated: 2024-09-26. Review status: criteria provided, single submitter. Criteria: Ambry Variant Classification Scheme 2023. Collection method: clinical testing. Allele origin: germline.

GeneDx
Classification: Uncertain significance. Last evaluated: 2021-05-06. Review status: criteria provided, single submitter. Criteria: GeneDx Variant Classification Process June 2021. Collection method: clinical testing. Allele origin: germline. Affected: yes.
Comment: Not observed at a significant frequency in large population cohorts (Lek et al., 2016); In silico analysis supports that this missense variant does not alter protein structure/function; Has not been previously published as pathogenic or benign to our knowledge

Revvity Omics, Revvity
Classification: Uncertain significance. Last evaluated: 2019-11-12. Review status: criteria provided, single submitter. Criteria: ACMG Guidelines, 2015. Collection method: clinical testing. Allele origin: germline.